The following is an entry in ClinVar:

NM_000092.5(COL4A4):c.4198A>T (p.Arg1400Ter)

Gene: COL4A4 (collagen type IV alpha 4 chain; minus strand). Cytogenetic location: 2q36.3.
Variant type: single nucleotide variant.
Coding change: c.4198A>T on transcript NM_000092.5 (MANE Select); coding-DNA position 4198, A replaced by T.
Protein change: p.Arg1400Ter; replaces arginine 1400 with a stop codon.
Molecular consequence: nonsense.
Genome position (GRCh38, 1-based): chr2:227,022,066, T>A on the plus strand (A>T on the coding strand, the complement: COL4A4 is on the minus strand). VCF-style: chr2-227022066-T-A. GRCh37 (hg19) VCF-style: chr2-227886782-T-A.
Other names: short protein forms R1400*.
Identifiers: ClinVar variation 5012605 (VCV005012605.1).

ClinVar aggregate classification (germline): Pathogenic (1 of 4 stars; one submission).

Conditions:
Alport syndrome. Also called: Hemorrhagic familial nephritis; Hemorrhagic hereditary nephritis; Congenital hereditary hematuria. Identifiers: Orphanet 63, MedGen C1567741, MONDO:0018965.

Submission:

Myriad Genetics, Inc.
Classification: Pathogenic for Alport syndrome. Last evaluated: 2023-12-25. Review status: criteria provided, single submitter. Criteria: Myriad Autosomal Dominant, Autosomal Recessive and X-Linked Classification Criteria (2023). Collection method: clinical testing. Allele origin: unknown.
Comment: NM_000092.4(COL4A4):c.4198A>T(R1400*) is expected to be pathogenic in the context of Alport syndrome, COL4A4-related. This variant is predicted to lead to an abnormal or absent protein product due to the creation of a premature termination codon in COL4A4, a gene where loss-of-function variants are known to be pathogenic. Please note: this variant was assessed in the context of healthy population screening.